The following is an entry in ClinVar:

ClinVar aggregate classification (germline): Benign. Review status: criteria provided, multiple submitters, no conflicts (2 of 4 stars). 2 submissions from 2 submitters: Benign (2). Last evaluated 2018-01-12.

Conditions:
Gamma-aminobutyric acid transaminase deficiency (GABATD). Also called: GABA aminotransaminase deficiency; GABA transaminase deficiency; Gamma aminobutyrate transaminase deficiency; 4 alpha aminobutyrate transaminase deficiency. Identifiers: Orphanet 2066, MedGen C0342708, MONDO:0013166, OMIM 613163.

Allele frequency attached by ClinVar (database versions not stated): gnomAD 0.14064 and 0.14326; TOPMed 0.14423; 1000 Genomes Project 30x 0.17458; 1000 Genomes Project 0.17772.

Submissions (2):

Illumina Laboratory Services, Illumina
Classification: Benign for Gamma-aminobutyric acid transaminase deficiency. Last evaluated: 2018-01-12. Review status: criteria provided, single submitter. Criteria: ICSL Variant Classification Criteria 13 December 2019. Collection method: clinical testing. Allele origin: germline.
Comment: This variant was observed in the ICSL laboratory as part of a predisposition screen in an ostensibly healthy population. It had not been previously curated by ICSL or reported in the Human Gene Mutation Database (HGMD: prior to June 1st, 2018), and was therefore a candidate for classification through an automated scoring system. Utilizing variant allele frequency, disease prevalence and penetrance estimates, and inheritance mode, an automated score was calculated to assess if this variant is too frequent to cause the disease. Based on the score and internal cut-off values, a variant classified as benign is not then subjected to further curation. The score for this variant resulted in a classification of benign for this disease.

Breakthrough Genomics
Classification: Benign. Review status: criteria provided, single submitter. Criteria: ACMG Guidelines, 2015. Collection method: not provided. Allele origin: germline. Inheritance: Autosomal recessive inheritance. Affected: yes.

NM_020686.6(ABAT):c.*1575A>G

Gene: ABAT (4-aminobutyrate aminotransferase; plus strand). Cytogenetic location: 16p13.2.
Variant type: single nucleotide variant.
Coding change: c.*1575A>G on transcript NM_020686.6 (MANE Select); 1575 bases downstream of the stop codon, A replaced by G.
Molecular consequence: 3 prime UTR variant.
Genome position (GRCh38, 1-based): chr16:8,783,005, A>G. VCF-style: chr16-8783005-A-G. GRCh37 (hg19) VCF-style: chr16-8876862-A-G.
Other names: c.*1575A>G (NM_000663.5, NM_001127448.2, NM_001386600.1 and 14 more transcripts); c.*1589A>G (NM_001386609.1, NM_001386616.1).
Identifiers: ClinVar variation 321125 (VCV000321125.6), dbSNP rs45615432, ClinGen allele CA10649109.